The following is an entry in ClinVar:

NM_002769.5(PRSS1):c.404C>A (p.Thr135Asn)

Genes: TRB (T cell receptor beta locus; plus strand), PRSS1 (serine protease 1; plus strand). Cytogenetic location: 7q34.
Variant type: single nucleotide variant.
Coding change: c.404C>A on transcript NM_002769.5 (MANE Select); coding-DNA position 404, C replaced by A.
Protein change: p.Thr135Asn; replaces threonine 135 with asparagine.
Molecular consequence: missense variant. On other transcripts: non-coding transcript variant (5).
Genome position (GRCh38, 1-based): chr7:142,751,977, C>A. VCF-style: chr7-142751977-C-A. GRCh37 (hg19) VCF-style: chr7-142459828-C-A.
Other names: short protein forms T135N.
Identifiers: ClinVar variation 1737345 (VCV001737345.3), dbSNP rs1224059005, ClinGen allele CA369609077.
Genomic context (GRCh38, chr7:142,751,977, plus strand): 5'-CACGTGCAGTAATCAACGCCCGCGTGTCCACCATCTCTCTGCCCACCGCCCCTCCAGCCA[C>A]TGGCACGAAGTGCCTCATCTCTGGCTGGGGCAACACTGCGAGCTCTGGCGGTGAGTGGGA-3'
Protein context (NP_002760.1, residues 125-145): TISLPTAPPA[Thr135Asn]GTKCLISGWG

ClinVar aggregate classification (germline): Uncertain significance (1 of 4 stars; one submission).

Conditions:
Hereditary pancreatitis (PCTT). Also called: Hereditary chronic pancreatitis; PRSS1-Related Hereditary Pancreatitis. Identifiers: Orphanet 676, MedGen C0238339, MONDO:0008185, OMIM 167800.

Allele frequency attached by ClinVar (database versions not stated): gnomAD exomes below 0.00001; gnomAD 0.00001; TOPMed 0.00001.
gnomAD v4.1: 3 of 1,614,044 alleles (0.00019%); highest among the groups gnomAD compares: Admixed American, 0.0017%; no homozygotes.

Submission:

Ambry Genetics
Classification: Uncertain significance for Hereditary pancreatitis. Last evaluated: 2024-05-04. Review status: criteria provided, single submitter. Criteria: Ambry Variant Classification Scheme 2023. Collection method: clinical testing. Allele origin: germline.
Comment: The p.T135N variant (also known as c.404C>A), located in coding exon 3 of the PRSS1 gene, results from a C to A substitution at nucleotide position 404. The threonine at codon 135 is replaced by asparagine, an amino acid with similar properties. This amino acid position is poorly conserved in available vertebrate species. In addition, the in silico prediction for this alteration is inconclusive. Since supporting evidence is limited at this time, the clinical significance of this alteration remains unclear.